The following is an entry in ClinVar:

NM_014339.7(IL17RA):c.680_681insG (p.Thr228fs)

Gene: IL17RA (interleukin 17 receptor A; plus strand). Cytogenetic location: 22q11.1.
Variant type: Insertion.
Coding change: c.680_681insG on transcript NM_014339.7 (MANE Select); coding-DNA positions 680 to 681, G inserted.
Protein change: p.Thr228fs; shifts the reading frame from threonine 228.
Molecular consequence: frameshift variant.
Genome position: GRCh38 VCF-style: chr22-17102220-C-CG. GRCh37 (hg19) VCF-style: chr22-17583110-C-CG.
Other names: c.680_681insG, p.Thr228fs (NM_001289905.2); short protein forms T228fs.
Identifiers: ClinVar variation 2085281 (VCV002085281.1), dbSNP rs2061394463, ClinGen allele CA1023894341.

ClinVar aggregate classification (germline): Pathogenic (1 of 4 stars; one submission).

Conditions:
Immunodeficiency 51 (IMD51). Also called: CANDIDIASIS, FAMILIAL, 5. Identifiers: Orphanet 1334, MedGen C4310803, MONDO:0013500, OMIM 613953.

Allele frequency attached by ClinVar (database versions not stated): gnomAD 0.00001; TOPMed 0.00004.

Submission:

Labcorp Genetics (formerly Invitae), Labcorp
Classification: Pathogenic for Immunodeficiency 51. Last evaluated: 2022-04-19. Review status: criteria provided, single submitter. Criteria: Invitae Variant Classification Sherloc (09022015). Collection method: clinical testing. Allele origin: germline.
Comment: This sequence change creates a premature translational stop signal (p.Thr228Tyrfs*20) in the IL17RA gene. It is expected to result in an absent or disrupted protein product. Loss-of-function variants in IL17RA are known to be pathogenic (PMID: 27930337). This variant is not present in population databases (gnomAD no frequency). This variant has not been reported in the literature in individuals affected with IL17RA-related conditions. For these reasons, this variant has been classified as Pathogenic.

Literature cited by the submitters: PubMed 27930337.